The following is an entry in ClinVar:

ClinVar aggregate classification (germline): Uncertain significance. Review status: criteria provided, multiple submitters, no conflicts (2 of 4 stars). 7 submissions from 7 submitters: Uncertain significance (6). 1 of the submissions does not count toward it. Last evaluated 2026-08-07.

Conditions:
COL4A3-related disorder. Also called: COL4A3-related condition; COL4A3-Related Disorders.
Autosomal dominant Alport syndrome (ATS3A). Also called: Alport syndrome dominant type; Renal failure and sensorineural hearing loss; ALPORT SYNDROME 3A, AUTOSOMAL DOMINANT. Identifiers: Orphanet 63, Orphanet 88918, MedGen C5882663, MONDO:0007086, OMIM 104200.
Alport syndrome 3b, autosomal recessive. Identifiers: MedGen C5882699, MONDO:0957811, OMIM 620536.
Inborn genetic diseases. Identifiers: MedGen C0950123, MeSH D030342.

Allele frequency attached by ClinVar (database versions not stated): ExAC 0.00008.

Submissions (7):

PreventionGenetics, part of Exact Sciences
Classification: Uncertain significance for COL4A3-related condition. Last evaluated: 2026-08-07. Review status: criteria provided, single submitter. Criteria: ACMG Guidelines, 2015. Collection method: clinical testing. Allele origin: germline.
Comment: The COL4A3 c.4862C>T variant is predicted to result in the amino acid substitution p.Thr1621Met. To our knowledge, this variant has not been reported in the literature. This variant is reported in 0.055% of alleles in individuals of Latino descent in gnomAD. At this time, the clinical significance of this variant is uncertain due to the absence of conclusive functional and genetic evidence.

OLLIN Analises Genomicas, OLLIN
Classification: Uncertain significance for Autosomal dominant Alport syndrome. Last evaluated: 2026-08-06. Review status: criteria provided, single submitter. Criteria: ACMG Guidelines 2015 PMID 25741868. Collection method: clinical testing. Allele origin: germline. Inheritance: Autosomal dominant inheritance.
Comment: This missense variant, located in exon 51 (of 52), has been reported in ClinVar (accession VCV002144816.7) and in gnomAD with an allele frequency of 0.0022%. However, to our knowledge, it has not been reported in the scientific literature. In silico analysis predicts that this variant has a deleterious effect. According to the currently available evidence, this variant has been classified as uncertain significance (PM2_P, PP3_M).

Labcorp Genetics (formerly Invitae), Labcorp
Classification: Uncertain significance. Last evaluated: 2025-10-14. Review status: criteria provided, single submitter. Criteria: Invitae Variant Classification Sherloc (09022015). Collection method: clinical testing. Allele origin: germline.
Comment: This sequence change replaces threonine, which is neutral and polar, with methionine, which is neutral and non-polar, at codon 1621 of the COL4A3 protein (p.Thr1621Met). This variant is present in population databases (rs748527311, gnomAD 0.06%). This variant has not been reported in the literature in individuals affected with COL4A3-related conditions. ClinVar contains an entry for this variant (Variation ID: 2144816). Invitae Evidence Modeling of protein sequence and biophysical properties (such as structural, functional, and spatial information, amino acid conservation, physicochemical variation, residue mobility, and thermodynamic stability) has been performed for this missense variant. However, the output from this modeling did not meet the statistical confidence thresholds required to predict the impact of this variant on COL4A3 protein function. In summary, the available evidence is currently insufficient to determine the role of this variant in disease. Therefore, it has been classified as a Variant of Uncertain Significance.

MVZ Medizinische Genetik Mainz
Classification: Uncertain significance for Autosomal dominant Alport syndrome. Last evaluated: 2024-08-29. Review status: criteria provided, single submitter. Criteria: UK Practice Guidelines For Variant Classification V4 01 2020. Collection method: clinical testing. Allele origin: germline. Inheritance: Autosomal dominant inheritance. Affected: yes. Observed: 1 variant allele.
Comment: ACMG Criteria: PP3_MOD,PP4

Women's Health and Genetics/Laboratory Corporation of America, LabCorp
Classification: Uncertain significance. Last evaluated: 2023-12-11. Review status: criteria provided, single submitter. Criteria: LabCorp Variant Classification Summary - May 2015. Collection method: clinical testing. Allele origin: germline.
Comment: Variant summary: COL4A3 c.4862C>T (p.Thr1621Met) results in a non-conservative amino acid change located in the non-collagenous domain (IPR001442) of the encoded protein sequence. Five of five in-silico tools predict a damaging effect of the variant on protein function. The variant allele was found at a frequency of 8.4e-05 in 249366 control chromosomes (gnomAD). This frequency is not significantly higher than estimated for a pathogenic variant in COL4A3 causing Alport Syndrome, Autosomal Recessive (8.4e-05 vs 0.0014), allowing no conclusion about variant significance. To our knowledge, no occurrence of c.4862C>T in individuals affected with Alport Syndrome and no experimental evidence demonstrating its impact on protein function have been reported. Two submitters have reported clinical-significance assessments for this variant to ClinVar after 2014. All submitters classified the variant as uncertain significance. Based on the evidence outlined above, the variant was classified as uncertain significance.

Ambry Genetics
Classification: Uncertain significance for Inborn genetic diseases. Last evaluated: 2021-07-15. Review status: criteria provided, single submitter. Criteria: Ambry Variant Classification Scheme 2023. Collection method: clinical testing. Allele origin: germline.

Laboratory of Dr. Barbara Vona, University Medical Center Göttingen
Classification: Uncertain significance for Alport syndrome 3b, autosomal recessive. Last evaluated: 2025-07-01. Review status: no assertion criteria provided. Collection method: clinical testing. Allele origin: germline. Affected: yes. Not counted in ClinVar's aggregate classification.

NM_000091.5(COL4A3):c.4862C>T (p.Thr1621Met)

Genes: COL4A3 (collagen type IV alpha 3 chain; plus strand), MFF-DT (MFF divergent transcript; minus strand). Cytogenetic location: 2q36.3.
Variant type: single nucleotide variant.
Coding change: c.4862C>T on transcript NM_000091.5 (MANE Select); coding-DNA position 4862, C replaced by T.
Protein change: p.Thr1621Met; replaces threonine 1621 with methionine.
Molecular consequence: missense variant.
Genome position (GRCh38, 1-based): chr2:227,310,882, C>T. VCF-style: chr2-227310882-C-T. GRCh37 (hg19) VCF-style: chr2-228175598-C-T.
Other names: short protein forms T1621M.
Identifiers: ClinVar variation 2144816 (VCV002144816.8), dbSNP rs748527311, ClinGen allele CA2147667.